The following is an entry in ClinVar:

NM_014845.6(FIG4):c.1181TTG[1] (p.Val395del)

Gene: FIG4 (FIG4 phosphoinositide 5-phosphatase; plus strand). Cytogenetic location: 6q21.
Variant type: Microsatellite.
Coding change: c.1181TTG[1] on transcript NM_014845.6 (MANE Select); one copy of the 3-base unit TTG starting at c.1181; the reference has two copies in a row; one copy, 3 bases deleted.
Protein change: p.Val395del; deletes valine 395.
Molecular consequence: inframe deletion.
Genome position (GRCh38, 1-based): chr6:109,760,296-109,760,298, TTG deleted; deleting any 3 consecutive bases within chr6:109,760,293-109,760,298 gives the same sequence; the position shown is the placement nearest the transcript's 3' end. VCF-style (leftmost placement, unchanged base first): chr6-109760292-CTTG-C. GRCh37 (hg19) VCF-style: chr6-110081495-CTTG-C.
Other names: short protein forms V395del.
Identifiers: ClinVar variation 842253 (VCV000842253.8), dbSNP rs1777062850, ClinGen allele CA916080362.

ClinVar aggregate classification (germline): Uncertain significance (1 of 4 stars; one submission).

Conditions:
Charcot-Marie-Tooth disease type 4. Also called: Charcot-Marie-Tooth disease, type IV; Charcot-Marie-Tooth, Type 4. Identifiers: Orphanet 64749, MedGen C4082197, MONDO:0018995.

Submission:

Labcorp Genetics (formerly Invitae), Labcorp
Classification: Uncertain significance for Charcot-Marie-Tooth disease type 4. Last evaluated: 2019-05-01. Review status: criteria provided, single submitter. Criteria: Invitae Variant Classification Sherloc (09022015). Collection method: clinical testing. Allele origin: germline.
Comment: This variant is not present in population databases (ExAC no frequency). In summary, the available evidence is currently insufficient to determine the role of this variant in disease. Therefore, it has been classified as a Variant of Uncertain Significance. Experimental studies and prediction algorithms are not available for this variant, and the functional significance of the affected amino acid(s) is currently unknown. This variant has been observed in combination with another FIG4 variant in an individual affected with Charcot-Marie-Tooth disease type 4J (PMID: 29518270). This variant, c.1184_1186del, results in the deletion of 1 amino acid of the FIG4 protein (p.Val395del), but otherwise preserves the integrity of the reading frame.

Literature cited by the submitters: PubMed 29518270.